The following is an entry in ClinVar:

ClinVar aggregate classification (germline): Conflicting classifications of pathogenicity. Review status: criteria provided, conflicting classifications (1 of 4 stars). 2 submissions from 2 submitters: Uncertain significance (1); Likely benign (1). Last evaluated 2025-10-08.

gnomAD v4.1: 65 of 1,613,618 alleles (0.004%); highest among the groups gnomAD compares: Non-Finnish European, 0.00085%; no homozygotes.

Submissions (2):

Labcorp Genetics (formerly Invitae), Labcorp
Classification: Uncertain significance. Last evaluated: 2025-10-08. Review status: criteria provided, single submitter. Criteria: Invitae Variant Classification Sherloc (09022015). Collection method: clinical testing. Allele origin: germline.
Comment: This sequence change replaces valine, which is neutral and non-polar, with leucine, which is neutral and non-polar, at codon 1775 of the NIN protein (p.Val1775Leu). This variant is present in population databases (no rsID available, gnomAD 0.1%), and has an allele count higher than expected for a pathogenic variant. This variant has not been reported in the literature in individuals affected with NIN-related conditions. ClinVar contains an entry for this variant (Variation ID: 1898845). An algorithm developed to predict the effect of missense changes on protein structure and function outputs the following: PolyPhen-2: "Benign". The leucine amino acid residue is found in multiple mammalian species, which suggests that this missense change does not adversely affect protein function. In summary, the available evidence is currently insufficient to determine the role of this variant in disease. Therefore, it has been classified as a Variant of Uncertain Significance.

Ambry Genetics
Classification: Likely benign. Last evaluated: 2022-04-07. Review status: criteria provided, single submitter. Criteria: Ambry Variant Classification Scheme 2023. Collection method: clinical testing. Allele origin: germline.

NM_020921.4(NIN):c.5323G>C (p.Val1775Leu)

Gene: NIN (ninein; minus strand). Cytogenetic location: 14q22.1.
Variant type: single nucleotide variant.
Coding change: c.5323G>C on transcript NM_020921.4 (MANE Select); coding-DNA position 5323, G replaced by C.
Protein change: p.Val1775Leu; replaces valine 1775 with leucine.
Molecular consequence: missense variant.
Genome position (GRCh38, 1-based): chr14:50,741,707, C>G on the plus strand (G>C on the coding strand, the complement: NIN is on the minus strand). VCF-style: chr14-50741707-C-G. GRCh37 (hg19) VCF-style: chr14-51208425-C-G.
Other names: c.3184G>C, p.Val1062Leu (NM_016350.5); c.5323G>C, p.Val1775Leu (NM_182944.3, NM_182946.2); short protein forms V1062L, V1775L.
Identifiers: ClinVar variation 1898845 (VCV001898845.6), dbSNP rs375323558, ClinGen allele CA7181315.